The following is an entry in ClinVar:

NM_001848.3(COL6A1):c.738+1G>T

Gene: COL6A1 (collagen type VI alpha 1 chain; plus strand). Cytogenetic location: 21q22.3.
Variant type: single nucleotide variant.
Coding change: c.738+1G>T on transcript NM_001848.3 (MANE Select); the canonical splice donor site of the intron after coding-DNA position 738, G replaced by T.
Molecular consequence: splice donor variant.
Genome position (GRCh38, 1-based): chr21:45,987,176, G>T. VCF-style: chr21-45987176-G-T. GRCh37 (hg19) VCF-style: chr21-47407090-G-T.
Identifiers: ClinVar variation 941095 (VCV000941095.3), dbSNP rs2077744287, ClinGen allele CA410519397.

ClinVar aggregate classification (germline): Likely pathogenic (1 of 4 stars; one submission).

Conditions:
Bethlem myopathy 1A. Also called: Bethlem Muscular Dystrophy; MYOPATHY, BENIGN CONGENITAL, WITH CONTRACTURES; Bethlem myopathy 1. Identifiers: Orphanet 610, MedGen CN029274, MONDO:0024530, OMIM 158810.

Submission:

Labcorp Genetics (formerly Invitae), Labcorp
Classification: Likely pathogenic for Bethlem myopathy 1A. Last evaluated: 2019-07-24. Review status: criteria provided, single submitter. Criteria: Invitae Variant Classification Sherloc (09022015). Collection method: clinical testing. Allele origin: germline.
Comment: This sequence change affects a donor splice site in intron 6 of the COL6A1 gene. It is expected to disrupt RNA splicing and likely results in an absent or disrupted protein product. This variant is not present in population databases (ExAC no frequency). This variant has not been reported in the literature in individuals with COL6A1-related conditions. Donor and acceptor splice site variants typically lead to a loss of protein function (PMID: 16199547), and loss-of-function variants in COL6A1 are known to be pathogenic (PMID: 19884007, 20976770). In summary, the currently available evidence indicates that the variant is pathogenic, but additional data are needed to prove that conclusively. Therefore, this variant has been classified as Likely Pathogenic.

Literature cited by the submitters: PubMed 16199547; PubMed 19884007; PubMed 20976770.